The following is an entry in ClinVar:

ClinVar aggregate classification (germline): Conflicting classifications of pathogenicity. Review status: criteria provided, conflicting classifications (1 of 4 stars). 3 submissions from 2 submitters: Uncertain significance (2); Likely benign (1). Last evaluated 2023-10-14.

Conditions:
Transitory neonatal diabetes mellitus. Also called: Transient neonatal diabetes mellitus. Identifiers: MedGen C0342273, MONDO:0020525, HP:0008255.
Maturity-onset diabetes of the young (MODY). Also called: Maturity onset diabetes mellitus in young. Identifiers: Orphanet 552, MedGen C0342276, MONDO:0018911, HP:0004904.

gnomAD v4.1: 1 of 1,614,230 alleles (0.000062%); highest among the groups gnomAD compares: Non-Finnish European, 0.000085%; no homozygotes.

Submissions (3):

Labcorp Genetics (formerly Invitae), Labcorp
Classification: Likely benign. Last evaluated: 2023-10-14. Review status: criteria provided, single submitter. Criteria: Invitae Variant Classification Sherloc (09022015). Collection method: clinical testing. Allele origin: germline.

Clinical Genomics, Uppaluri K&H Personalized Medicine Clinic
Classification: Uncertain significance for Maturity-onset diabetes of the young. Review status: criteria provided, single submitter. Criteria: K & H Uppaluri Personalized Medicine Clinic Variant Classification & Assertion Criteria_Updated V.1. Collection method: research. Allele origin: somatic. Inheritance: Somatic mutation.
Comment: Mutations in ABCC8 gene are associated with both neonatal diabetes mellitus as well as MODY. Patients with this mutation may have a better response to sulfonylureas. However, no sufficient evidence is found to ascertain the role of this particular variant (rs1591714060) in MODY yet.

Clinical Genomics, Uppaluri K&H Personalized Medicine Clinic
Classification: Uncertain significance for Transitory neonatal diabetes mellitus. Review status: criteria provided, single submitter. Criteria: K & H Uppaluri Personalized Medicine Clinic Variant Classification & Assertion Criteria_Updated V.1. Collection method: research. Allele origin: somatic. Inheritance: Somatic mutation.
Comment: Mutations in ABCC8 gene are associated with both neonatal diabetes mellitus as well as MODY. Patients with this mutation may have a better response to sulfonylureas. However, no sufficient evidence is found to ascertain the role of this particular variant (rs1591714060) in neonatal diabetes yet.

Literature cited by the submitters: PubMed 16885549 (cited by Clinical Genomics, Uppaluri K&H Personalized Medicine Clinic); PubMed 21989597 (cited by Clinical Genomics, Uppaluri K&H Personalized Medicine Clinic); PubMed 27538677 (cited by Clinical Genomics, Uppaluri K&H Personalized Medicine Clinic); PubMed 18981553 (cited by Clinical Genomics, Uppaluri K&H Personalized Medicine Clinic); PubMed 32027066 (cited by Clinical Genomics, Uppaluri K&H Personalized Medicine Clinic); PubMed 16613899 (cited by Clinical Genomics, Uppaluri K&H Personalized Medicine Clinic); PubMed 18025408 (cited by Clinical Genomics, Uppaluri K&H Personalized Medicine Clinic); PubMed 32792356 (cited by Clinical Genomics, Uppaluri K&H Personalized Medicine Clinic).

NM_000352.6(ABCC8):c.4062C>T (p.Asp1354=)

Gene: ABCC8 (ATP binding cassette subfamily C member 8; minus strand). Cytogenetic location: 11p15.1.
Variant type: single nucleotide variant.
Coding change: c.4062C>T on transcript NM_000352.6 (MANE Select); coding-DNA position 4062, C replaced by T.
Protein change: p.Asp1354=; no amino-acid change (aspartic acid 1354 retained).
Molecular consequence: synonymous variant. On other transcripts: non-coding transcript variant (1).
Genome position (GRCh38, 1-based): chr11:17,396,973, G>A on the plus strand (C>T on the coding strand, the complement: ABCC8 is on the minus strand). VCF-style: chr11-17396973-G-A. GRCh37 (hg19) VCF-style: chr11-17418520-G-A.
Other names: c.4065C>T, p.Asp1355= (NM_001287174.3); c.4128C>T, p.Asp1376= (NM_001351295.2); c.4062C>T, p.Asp1354= (NM_001351296.2); c.4059C>T, p.Asp1353= (NM_001351297.2).
Identifiers: ClinVar variation 798361 (VCV000798361.11), dbSNP rs1591714060, ClinGen allele CA473298537.